The following is an entry in ClinVar:

NM_001370959.1(POU6F2):c.647AGC[9] (p.Gln225del)

Gene: POU6F2 (POU class 6 homeobox 2; plus strand). Cytogenetic location: 7p14.1.
Variant type: Microsatellite.
Coding change: c.647AGC[9] on transcript NM_001370959.1 (MANE Select); nine copies in a row of the 3-base unit AGC starting at c.647; the reference has ten copies in a row; one copy, 3 bases deleted.
Protein change: p.Gln225del; deletes glutamine 225.
Genome position (GRCh38, 1-based): chr7:39,339,717-39,339,719, AGC deleted; deleting any 3 consecutive bases within chr7:39,339,689-39,339,719 gives the same sequence; the position shown is the placement nearest the transcript's 3' end. VCF-style (leftmost placement, unchanged base first): chr7-39339688-CCAG-C. GRCh37 (hg19) VCF-style: chr7-39379287-CCAG-C.
Other names: c.560AGC[9], p.Gln196del (NM_001166018.2, NM_007252.4); short protein forms Q196del, Q225del.
Identifiers: ClinVar variation 3060981 (VCV003060981.2), dbSNP rs751710078, ClinGen allele CA4227583.
Genomic context (GRCh38, chr7:39,339,688, plus strand): 5'-TTCTCTCCTTGTAGCTACCTCATCCCTGAACTCCCAGCTCCAGCAGCTCCAGCTCCAGCT[CCAG>C]CAGCAGCAGCAGCAGCAGCAGCAGCAGCCTCCCCCGTCAACCAACCAGCACCCGCAACCA-3'

ClinVar aggregate classification (germline): Benign (0 of 4 stars; one submission).

Conditions:
POU6F2-related disorder. Also called: POU6F2-related condition.

Submission:

PreventionGenetics, part of Exact Sciences
Classification: Benign for POU6F2-related condition. Last evaluated: 2019-05-02. Review status: no assertion criteria provided. Collection method: clinical testing. Allele origin: germline.
Comment: This variant is classified as benign based on ACMG/AMP sequence variant interpretation guidelines (Richards et al. 2015 PMID: 25741868, with internal and published modifications).